The following is an entry in ClinVar:

NM_001364905.1(LRBA):c.1963C>T (p.Arg655Ter)

Gene: LRBA (LPS responsive beige-like anchor protein; minus strand). Cytogenetic location: 4q31.3.
Variant type: single nucleotide variant.
Coding change: c.1963C>T on transcript NM_001364905.1 (MANE Select); coding-DNA position 1963, C replaced by T.
Protein change: p.Arg655Ter; replaces arginine 655 with a stop codon.
Molecular consequence: nonsense.
Genome position (GRCh38, 1-based): chr4:150,897,780, G>A on the plus strand (C>T on the coding strand, the complement: LRBA is on the minus strand). VCF-style: chr4-150897780-G-A. GRCh37 (hg19) VCF-style: chr4-151818932-G-A.
Other names: c.1963C>T, p.Arg655Ter (NM_001199282.3, NM_001367550.1, NM_006726.5); short protein forms R655*.
Identifiers: ClinVar variation 973645 (VCV000973645.6), dbSNP rs199750191, ClinGen allele CA3103416.

ClinVar aggregate classification (germline): Pathogenic. Review status: criteria provided, single submitter (1 of 4 stars). 2 submissions from 2 submitters: Pathogenic (1). 1 of the submissions does not count toward it. Last evaluated 2022-04-09.

Conditions:
Combined immunodeficiency due to LRBA deficiency. Also called: Common variable immunodeficiency 8, with autoimmunity. Identifiers: Orphanet 445018, MedGen C3553512, MONDO:0013863, OMIM 614700.

Allele frequency attached by ClinVar (database versions not stated): gnomAD exomes below 0.00001 and 0.00001; ExAC 0.00001; gnomAD 0.00001; 1000 Genomes Project 30x 0.00016; 1000 Genomes Project 0.00020.
gnomAD v4.1: 11 of 1,612,076 alleles (0.00068%); highest among the groups gnomAD compares: East Asian, 0.0022%; no homozygotes.

Submissions (2):

Labcorp Genetics (formerly Invitae), Labcorp
Classification: Pathogenic for Combined immunodeficiency due to LRBA deficiency. Last evaluated: 2022-04-09. Review status: criteria provided, single submitter. Criteria: Invitae Variant Classification Sherloc (09022015). Collection method: clinical testing. Allele origin: germline.
Comment: This sequence change creates a premature translational stop signal (p.Arg655*) in the LRBA gene. It is expected to result in an absent or disrupted protein product. Loss-of-function variants in LRBA are known to be pathogenic (PMID: 26206937, 26768763). This variant is present in population databases (rs199750191, gnomAD 0.0009%). This premature translational stop signal has been observed in individual(s) with autoimmune lymphoproliferative syndrome and/or lymphadenopathy (PMID: 26206937, 34573280). ClinVar contains an entry for this variant (Variation ID: 973645). Algorithms developed to predict the effect of sequence changes on RNA splicing suggest that this variant may disrupt the consensus splice site. For these reasons, this variant has been classified as Pathogenic.

UOSD Laboratory of Genetics & Genomics of Rare Diseases, Istituto Giannina Gaslini
Classification: Pathogenic for Combined immunodeficiency due to LRBA deficiency. Last evaluated: 2020-05-21. Review status: no assertion criteria provided. Collection method: clinical testing. Allele origin: germline. Affected: yes. Observed: 1 variant allele. Not counted in ClinVar's aggregate classification.

Literature cited by the submitters: PubMed 26206937 (cited by Labcorp Genetics (formerly Invitae), Labcorp); PubMed 26768763 (cited by Labcorp Genetics (formerly Invitae), Labcorp); PubMed 34573280 (cited by Labcorp Genetics (formerly Invitae), Labcorp); PubMed 31876783 (cited by UOSD Laboratory of Genetics & Genomics of Rare Diseases, Istituto Giannina Gaslini).